The following is an entry in ClinVar:

NM_015030.2(FRYL):c.1160C>G (p.Ser387Ter)

Gene: FRYL (FRY like transcription coactivator; minus strand). Cytogenetic location: 4p11.
Variant type: single nucleotide variant.
Coding change: c.1160C>G on transcript NM_015030.2 (MANE Select); coding-DNA position 1160, C replaced by G.
Protein change: p.Ser387Ter; replaces serine 387 with a stop codon.
Molecular consequence: nonsense.
Genome position (GRCh38, 1-based): chr4:48,595,678, G>C on the plus strand (C>G on the coding strand, the complement: FRYL is on the minus strand). VCF-style: chr4-48595678-G-C. GRCh37 (hg19) VCF-style: chr4-48597695-G-C.
Other names: short protein forms S387*.
Identifiers: ClinVar variation 4687119 (VCV004687119.1).
Genomic context (GRCh38, chr4:48,595,678, plus strand): 5'-AATATATTGAGAGGTGTGTCACGAGGAACCACACTTCGTGAGCCTTTTGGAAAAAGTGCT[G>C]ACACTATGCTCATAAGACGACTACAGGGAAAAAGATCTAGTCATAGTGAGATCATAACAT-3'

ClinVar aggregate classification (germline): Pathogenic (1 of 4 stars; one submission).

Conditions:
Pan-Chung-Bellen syndrome. Identifiers: MedGen C5975547, MONDO:0975953, OMIM 621049.

Submission:

Women's Health and Genetics/Laboratory Corporation of America, LabCorp
Classification: Pathogenic for Pan-Chung-Bellen syndrome. Last evaluated: 2025-10-22. Review status: criteria provided, single submitter. Criteria: LabCorp Variant Classification Summary - May 2015. Collection method: clinical testing. Allele origin: germline.
Comment: Variant summary: FRYL c.1160C>G (p.Ser387X) results in a premature termination codon, predicted to cause a truncation of the encoded protein or absence of the protein due to nonsense mediated decay, which are commonly known mechanisms for disease. The variant was absent in 248190 control chromosomes. To our knowledge, no occurrence of c.1160C>G in individuals affected with FRYL-related conditions and no experimental evidence demonstrating its impact on protein function have been reported. No submitters have cited clinical-significance assessments for this variant to ClinVar. Based on the evidence outlined above, the variant was classified as pathogenic.